The following is an entry in ClinVar:

NM_000276.4(OCRL):c.829C>G (p.Gln277Glu)

Gene: OCRL (OCRL inositol polyphosphate-5-phosphatase; plus strand). Cytogenetic location: Xq26.1.
Variant type: single nucleotide variant.
Coding change: c.829C>G on transcript NM_000276.4 (MANE Select); coding-DNA position 829, C replaced by G.
Protein change: p.Gln277Glu; replaces glutamine 277 with glutamic acid.
Molecular consequence: missense variant.
Genome position (GRCh38, 1-based): chrX:129,561,183, C>G. VCF-style: chrX-129561183-C-G. GRCh37 (hg19) VCF-style: chrX-128695160-C-G.
Other names: c.832C>G, p.Gln278Glu (NM_001318784.2); c.829C>G, p.Gln277Glu (NM_001587.4); short protein forms Q277E, Q278E.
Identifiers: ClinVar variation 4531178 (VCV004531178.1).

ClinVar aggregate classification (germline): Likely pathogenic (0 of 4 stars; one submission).

Conditions:
Lowe syndrome (OCRL). Also called: LOWE OCULOCEREBRORENAL SYNDROME; PHOSPHATIDYLINOSITOL 4,5-BISPHOSPHATE 5-PHOSPHATASE DEFICIENCY; Oculocerebrorenal Syndrome. Identifiers: Orphanet 534, MedGen C0028860, MONDO:0010645, OMIM 309000.

Submission:

Department of Traditional Chinese Medicine, Fujian Provincial Hospital
Classification: Likely pathogenic for Lowe syndrome. Review status: no assertion criteria provided. Collection method: research. Allele origin: maternal. Inheritance: X-linked recessive inheritance. Affected: yes. Observed: 1 hemizygote.
Comment: We constructed a cell model with a targeted point mutation and found that this mutation leads to altered OCRL protein expression and phosphatase activity. This mutation is consistent with Likely Pathogenic according to ACMG score and has not been reported so far.

Literature cited by the submitters: PubMed 33517444.